The following is an entry in ClinVar:

NM_001127222.2(CACNA1A):c.2904_2929del (p.Pro969fs)

Gene: CACNA1A (calcium voltage-gated channel subunit alpha1 A; minus strand). Cytogenetic location: 19p13.13.
Variant type: Deletion.
Coding change: c.2904_2929del on transcript NM_001127222.2 (MANE Select); coding-DNA positions 2904 to 2929, 26 bases deleted (TCCGGAGGACAAGGCGGAGCGGAGGG).
Protein change: p.Pro969fs; shifts the reading frame from proline 969.
Molecular consequence: frameshift variant.
Genome position (GRCh38, 1-based): chr19:13,298,704-13,298,729, CCCTCCGCTCCGCCTTGTCCTCCGGA deleted on the plus strand (TCCGGAGGACAAGGCGGAGCGGAGGG on the coding strand, the reverse complement: CACNA1A is on the minus strand); deleting any 26 consecutive bases within chr19:13,298,704-13,298,735 gives the same sequence; the c. name uses the placement nearest the transcript's 3' end. VCF-style (leftmost placement, unchanged base first): chr19-13298703-GCCCTCCGCTCCGCCTTGTCCTCCGGA-G. GRCh37 (hg19) VCF-style: chr19-13409517-GCCCTCCGCTCCGCCTTGTCCTCCGGA-G.
Other names: c.2916_2941del, p.Pro973fs (NM_000068.4, NM_023035.3); c.2907_2932del, p.Pro970fs (NM_001127221.2, NM_001174080.2); c.2907_2932delTCCGGAGGACAAGGCGGAGCGGAGGG (NM_001127221.1); short protein forms P969fs, P970fs, P973fs.
Identifiers: ClinVar variation 476244 (VCV000476244.18), dbSNP rs1555755909, ClinGen allele CA658658787.

ClinVar aggregate classification (germline): Pathogenic. Review status: criteria provided, multiple submitters, no conflicts (2 of 4 stars). 2 submissions from 2 submitters: Pathogenic (2). Last evaluated 2019-05-07.

Conditions:
Developmental and epileptic encephalopathy, 42 (DEE42A). Also called: DEVELOPMENTAL AND EPILEPTIC ENCEPHALOPATHY 42A; EPILEPTIC ENCEPHALOPATHY, EARLY INFANTILE, 42A; Epileptic encephalopathy, early infantile, 42. Identifiers: MedGen C4310716, MONDO:0014917, OMIM 617106.
Episodic ataxia type 2 (EA2). Also called: ACETAZOLAMIDE-RESPONSIVE HEREDITARY PAROXYSMAL CEREBELLAR ATAXIA; ATAXIA, EPISODIC, WITH NYSTAGMUS; ATAXIA, FAMILIAL PAROXYSMAL; CEREBELLAR ATAXIA, PAROXYSMAL, ACETAZOLAMIDE-RESPONSIVE; CEREBELLOPATHY, HEREDITARY PAROXYSMAL; EPISODIC ATAXIA, NYSTAGMUS-ASSOCIATED. Identifiers: Orphanet 97, MedGen C1720416, MONDO:0007163, OMIM 108500.
Migraine, familial hemiplegic, 1. Also called: MIGRAINE, FAMILIAL HEMIPLEGIC 1, WITH PROGRESSIVE CEREBELLAR ATAXIA. Identifiers: Orphanet 569, MedGen C1832884, MONDO:0020756, OMIM 141500, MONDO:0007714.
Early Infantile Epileptic Encephalopathy, Autosomal Dominant.
Spinocerebellar ataxia type 6 (SCA6). Identifiers: Orphanet 98758, MedGen C0752124, MONDO:0008457, OMIM 183086.

Submissions (2):

Labcorp Genetics (formerly Invitae), Labcorp
Classification: Pathogenic for Developmental and epileptic encephalopathy, 42; Episodic ataxia type 2. Last evaluated: 2019-05-07. Review status: criteria provided, single submitter. Criteria: Invitae Variant Classification Sherloc (09022015). Collection method: clinical testing. Allele origin: germline.
Comment: This variant has not been reported in the literature in individuals with CACNA1A-related conditions. ClinVar contains an entry for this variant (Variation ID: 476244). The frequency data for this variant in the population databases is considered unreliable, as metrics indicate insufficient coverage at this position in the ExAC database. This sequence change creates a premature translational stop signal (p.Pro970Alafs*89) in the CACNA1A gene. It is expected to result in an absent or disrupted protein product. Loss-of-function variants in CACNA1A are known to be pathogenic (PMID: 10371528, 19486177, 25735478, 27250579). For these reasons, this variant has been classified as Pathogenic.

ARUP Laboratories, Molecular Genetics and Genomics, ARUP Laboratories
Classification: Pathogenic. Last evaluated: 2017-05-16. Review status: criteria provided, single submitter. Criteria: ARUP Molecular Germline Variant Investigation Process. Collection method: clinical testing. Allele origin: germline.

Literature cited by the submitters: PubMed 10371528 (cited by Labcorp Genetics (formerly Invitae), Labcorp); PubMed 19486177 (cited by Labcorp Genetics (formerly Invitae), Labcorp); PubMed 25735478 (cited by Labcorp Genetics (formerly Invitae), Labcorp); PubMed 27250579 (cited by Labcorp Genetics (formerly Invitae), Labcorp).